The following is an entry in ClinVar:

ClinVar aggregate classification (germline): Conflicting classifications of pathogenicity. Review status: criteria provided, conflicting classifications (1 of 4 stars). 6 submissions from 6 submitters: Likely pathogenic (4); Uncertain significance (2). Last evaluated 2026-02-20.

Conditions:
Mucopolysaccharidosis, MPS-II (MPS2). Also called: Mucopolysaccharidosis with skin involvement; Attenuated MPS (subtype; formerly known as mild MPS II); Severe MPS II; I2S deficiency; MPS 2; Hunter Syndrome. Identifiers: Orphanet 580, Orphanet 79388, MedGen C0026705, MONDO:0010674, OMIM 309900.
Mucopolysaccharidosis, MPS-III-A (MPS3A). Also called: Mucopolysaccharidosis type IIIA (Sanfilippo A); HEPARAN SULFATE SULFATASE DEFICIENCY; SANFILIPPO SYNDROME A; SULFAMIDASE DEFICIENCY; MPS III A; Mucopolysaccharidosis, type IIIA. Identifiers: Orphanet 581, Orphanet 79269, MedGen C0086647, MONDO:0009655, OMIM 252900.

gnomAD v4.1: 1 of 1,211,289 alleles (0.000083%); highest among the groups gnomAD compares: Middle Eastern, 0.023%; no homozygotes.

Submissions (6):

GeneDx
Classification: Likely pathogenic. Last evaluated: 2026-02-20. Review status: criteria provided, single submitter. Criteria: GeneDx Variant Classification Process June 2021. Collection method: clinical testing. Allele origin: germline.
Comment: Identified in a patient with abnormal enzyme studies suspected of having an inherited metabolic disease, but specific clinical information was not provided (PMID: 35614200); Not observed at significant frequency in large population cohorts (gnomAD); In silico analysis supports that this missense variant has a deleterious effect on protein structure/function; This variant is associated with the following publications: (PMID: 35614200)

Women's Health and Genetics/Laboratory Corporation of America, LabCorp
Classification: Uncertain significance. Last evaluated: 2026-02-13. Review status: criteria provided, single submitter. Criteria: LabCorp Variant Classification Summary - May 2015. Collection method: clinical testing. Allele origin: germline.
Comment: Variant summary: IDS c.1036G>A (p.Ala346Thr) results in a non-conservative amino acid change in the encoded protein sequence. Algorithms developed to predict the effect of missense changes on protein structure and function all suggest that this variant is likely to be disruptive. The variant was absent in 183468 control chromosomes. c.1036G>A has been observed in individual(s) affected with or a positive newborn screen for Mucopolysaccharidosis Type II (Hunter Syndrome) (e.g. Almeida_2022, Alsharhan_2024). These report(s) do not provide unequivocal conclusions about association of the variant with Mucopolysaccharidosis Type II (Hunter Syndrome). To our knowledge, no experimental evidence demonstrating an impact on protein function has been reported. A different variant affecting the same codon has been classified as likely pathogenic/pathogenic (c.1037C>T, p.Ala346Val), supporting the critical relevance of codon 346 to IDS protein function. The following publications have been ascertained in the context of this evaluation (PMID: 35614200, 39077064). ClinVar contains an entry for this variant (Variation ID: 3598109). Based on the evidence outlined above, the variant was classified as VUS-possibly pathogenic.

Myriad Genetics, Inc.
Classification: Likely pathogenic for Mucopolysaccharidosis, MPS-II. Last evaluated: 2026-02-03. Review status: criteria provided, single submitter. Criteria: Myriad Autosomal Dominant, Autosomal Recessive and X-Linked Classification Criteria (2023). Collection method: clinical testing. Allele origin: unknown.
Comment: NM_000202.5(IDS):c.1036G>A(A346T) is a missense variant classified as likely pathogenic in the context of mucopolysaccharidosis type II. A346T has been observed in a case with relevant disease (PMID: 39077064). Relevant functional assessments of this variant are not available in the literature. Internal structural analysis of the variant is supportive of pathogenicity. A346T has not been observed in referenced population frequency databases. In summary, NM_000202.5(IDS):c.1036G>A(A346T) is a missense variant that has internal structural support for pathogenicity and has been observed more frequently in cases with the relevant disease than in healthy populations. Please note: this variant was assessed in the context of healthy population screening.

Natera, Inc.
Classification: Likely pathogenic for Mucopolysaccharidosis type IIIA. Last evaluated: 2025-11-14. Review status: criteria provided, single submitter. Criteria: Natera Variant Classification Schema (03/2026). Collection method: clinical testing. Allele origin: germline.
Comment: The c.1036G>A variant in IDS is a missense variant predicted to cause substitution of alanine to threonine at amino acid 346. This variant is rare in the general population with a frequency below the threshold expected for the associated phenotype(s). This variant has been observed in affected individual(s) with monoallelic occurrence (heterozygous/hemizygous) (PMID: 39077064, 35614200). A different variant at the same position has been determined to be Pathogenic or Likely Pathogenic. Computational prediction algorithms indicate this variant is likely to affect gene or protein function. Given the available evidence, this variant is classified as Likely Pathogenic.

3billion
Classification: Uncertain significance for Mucopolysaccharidosis, MPS-II. Last evaluated: 2025-09-08. Review status: criteria provided, single submitter. Criteria: ACMG Guidelines, 2015. Collection method: clinical testing. Allele origin: germline. Affected: yes.
Comment: The variant is observed at an extremely low frequency in the gnomAD v4.1.0 dataset (total allele frequency: <0.001%). Predicted Consequence/Location: Missense variant In silico tool predictions suggest damaging effect of the variant on gene or gene product [REVEL: 0.85 (>=0.6, sensitivity 0.68 and specificity 0.92)]. The same nucleotide change resulting in the same amino acid change has been previously reported to be associated with IDS-related disorder (ClinVar ID: VCV003598109 /PMID: 35614200). However, the evidence of pathogenicity is insufficient at this time. Different missense changes at the same codon (p.Ala346Asp, p.Ala346Val) have been reported as pathogenic/likely pathogenic with strong evidence (ClinVar ID: VCV003255938, VCV003255939 /PMID: 7599640, 8566953). Therefore, this variant is classified as VUS according to the recommendation of ACMG/AMP guideline.

Fulgent Genetics
Classification: Likely pathogenic for Mucopolysaccharidosis, MPS-II. Last evaluated: 2024-01-15. Review status: criteria provided, single submitter. Criteria: ACMG Guidelines, 2015. Collection method: clinical testing. Allele origin: germline.

Literature cited by the submitters: PubMed 35614200 (cited by 3 submitters); PubMed 39077064 (cited by 3 submitters); PubMed 7599640 (cited by 3billion).

NM_000202.8(IDS):c.1036G>A (p.Ala346Thr)

Genes: IDS (iduronate 2-sulfatase; minus strand), LOC106050102 (IDS recombination region; plus strand). Cytogenetic location: Xq28.
Variant type: single nucleotide variant.
Coding change: c.1036G>A on transcript NM_000202.8 (MANE Select); coding-DNA position 1036, G replaced by A.
Protein change: p.Ala346Thr; replaces alanine 346 with threonine.
Molecular consequence: missense variant.
Genome position (GRCh38, 1-based): chrX:149,487,069, C>T on the plus strand (G>A on the coding strand, the complement: IDS is on the minus strand). VCF-style: chrX-149487069-C-T. GRCh37 (hg19) VCF-style: chrX-148568600-C-T.
Other names: c.1036G>A (NM_000202.4, NM_000202.7); c.766G>A, p.Ala256Thr (NM_001166550.4); short protein forms A256T, A346T.
Identifiers: ClinVar variation 3598109 (VCV003598109.7).